The following is an entry in ClinVar:

NM_001142864.4(PIEZO1):c.6144C>T (p.Ile2048=)

Gene: PIEZO1 (piezo type mechanosensitive ion channel component 1 (Er blood group); minus strand). Cytogenetic location: 16q24.3.
Variant type: single nucleotide variant.
Coding change: c.6144C>T on transcript NM_001142864.4 (MANE Select); coding-DNA position 6144, C replaced by T.
Protein change: p.Ile2048=; no amino-acid change (isoleucine 2048 retained).
Molecular consequence: synonymous variant.
Genome position (GRCh38, 1-based): chr16:88,720,089, G>A on the plus strand (C>T on the coding strand, the complement: PIEZO1 is on the minus strand). VCF-style: chr16-88720089-G-A. GRCh37 (hg19) VCF-style: chr16-88786497-G-A.
Other names: p.Ile2048=.
Identifiers: ClinVar variation 755624 (VCV000755624.10), dbSNP rs372939960, ClinGen allele CA8231711.

ClinVar aggregate classification (germline): Likely benign. Review status: criteria provided, multiple submitters, no conflicts (2 of 4 stars). 4 submissions from 4 submitters: Likely benign (3). 1 of the submissions does not count toward it. Last evaluated 2025-11-20.

Conditions:
PIEZO1-related disorder. Also called: PIEZO1-related condition; PIEZO1-Related Disorders.

Allele frequency attached by ClinVar (database versions not stated): gnomAD exomes 0.00010; ExAC 0.00026; ESP Exome Variant Server 0.00044; TOPMed 0.00066; gnomAD 0.00069 and 0.00071; 1000 Genomes Project 0.00120; 1000 Genomes Project 30x 0.00156.
gnomAD v4.1: 175 of 1,550,350 alleles (0.011%); highest among the groups gnomAD compares: African/African-American, 0.22%; 1 homozygote.

Submissions (4):

Labcorp Genetics (formerly Invitae), Labcorp
Classification: Likely benign. Last evaluated: 2025-11-20. Review status: criteria provided, single submitter. Criteria: Invitae Variant Classification Sherloc (09022015). Collection method: clinical testing. Allele origin: germline.

Mayo Clinic Laboratories, Mayo Clinic
Classification: Likely benign. Last evaluated: 2025-05-27. Review status: criteria provided, single submitter. Criteria: ACMG Guidelines, 2015. Collection method: clinical testing. Allele origin: germline. Observed: 1 variant allele.
Comment: BP4, BP7

ARUP Laboratories, Molecular Genetics and Genomics, ARUP Laboratories
Classification: Likely benign. Last evaluated: 2023-08-10. Review status: criteria provided, single submitter. Criteria: ARUP Molecular Germline Variant Investigation Process 2024. Collection method: clinical testing. Allele origin: germline.

PreventionGenetics, part of Exact Sciences
Classification: Likely benign for PIEZO1-related condition. Last evaluated: 2020-04-17. Review status: no assertion criteria provided. Collection method: clinical testing. Allele origin: germline. Not counted in ClinVar's aggregate classification.
Comment: This variant is classified as likely benign based on ACMG/AMP sequence variant interpretation guidelines (Richards et al. 2015 PMID: 25741868, with internal and published modifications).